The following is an entry in ClinVar:

NM_001134407.3(GRIN2A):c.4387G>C (p.Asp1463His)

Gene: GRIN2A (glutamate ionotropic receptor NMDA type subunit 2A; minus strand). Cytogenetic location: 16p13.2.
Variant type: single nucleotide variant.
Coding change: c.4387G>C on transcript NM_001134407.3 (MANE Select); coding-DNA position 4387, G replaced by C.
Protein change: p.Asp1463His; replaces aspartic acid 1463 with histidine.
Molecular consequence: missense variant. On other transcripts: 3 prime UTR variant (1).
Genome position (GRCh38, 1-based): chr16:9,763,157, C>G on the plus strand (G>C on the coding strand, the complement: GRIN2A is on the minus strand). VCF-style: chr16-9763157-C-G. GRCh37 (hg19) VCF-style: chr16-9857014-C-G.
Other names: c.4387G>C, p.Asp1463His (NM_000833.5); c.*198G>C (NM_001134408.2); short protein forms D1463H.
Identifiers: ClinVar variation 3392860 (VCV003392860.1).

ClinVar aggregate classification (germline): Uncertain significance (1 of 4 stars; one submission).

Submission:

GeneDx
Classification: Uncertain significance. Last evaluated: 2024-06-25. Review status: criteria provided, single submitter. Criteria: GeneDx Variant Classification Process June 2021. Collection method: clinical testing. Allele origin: germline. Affected: yes.
Comment: Not observed at significant frequency in large population cohorts (gnomAD); In silico analysis supports that this missense variant has a deleterious effect on protein structure/function; Has not been previously published as pathogenic or benign to our knowledge